The following is an entry in ClinVar:

NM_004006.3(DMD):c.9001C>A (p.Gln3001Lys)

Gene: DMD (dystrophin; minus strand). Cytogenetic location: Xp21.2.
Variant type: single nucleotide variant.
Coding change: c.9001C>A on transcript NM_004006.3 (MANE Select); coding-DNA position 9001, C replaced by A.
Protein change: p.Gln3001Lys; replaces glutamine 3001 with lysine.
Molecular consequence: missense variant.
Genome position (GRCh38, 1-based): chrX:31,444,564, G>T on the plus strand (C>A on the coding strand, the complement: DMD is on the minus strand). VCF-style: chrX-31444564-G-T. GRCh37 (hg19) VCF-style: chrX-31462681-G-T.
Other names: c.8977C>A, p.Gln2993Lys (NM_000109.4); c.8989C>A, p.Gln2997Lys (NM_004009.3); c.8632C>A, p.Gln2878Lys (NM_004010.3); c.4978C>A, p.Gln1660Lys (NM_004011.4); c.4969C>A, p.Gln1657Lys (NM_004012.4); c.1621C>A, p.Gln541Lys (NM_004013.3, NM_004020.4, NM_004021.3 and 2 more transcripts); c.814C>A, p.Gln272Lys (NM_004014.3); short protein forms Q1657K, Q1660K, Q272K, Q3001K, Q2878K, Q541K, Q2993K, Q2997K.
Identifiers: ClinVar variation 2826954 (VCV002826954.3), dbSNP rs2149075577, ClinGen allele CA412655205.
Genomic context (GRCh38, chrX:31,444,564, plus strand): 5'-TCAGGTCTTCCAGAGTGCTGAGGTTATACGGTGAGAGCTGAATGCCCAAAGTGGTAAGCT[G>T]GCGAGCAAGGTCATTGACGTGGCTCACGTTCTCTTTCAGAGGCGCAATTTCTCCTCGAAG-3'
Protein context (NP_003997.2, residues 2991-3011): NVSHVNDLAR[Gln3001Lys]LTTLGIQLSP

ClinVar aggregate classification (germline): Uncertain significance (1 of 4 stars; one submission).

Conditions:
Duchenne muscular dystrophy (DMD). Also called: MUSCULAR DYSTROPHY, PSEUDOHYPERTROPHIC PROGRESSIVE, DUCHENNE TYPE; Duchenne Muscular Dystrophy (DMD). Identifiers: Orphanet 98896, MedGen C0013264, MONDO:0010679, OMIM 310200.

Submission:

Labcorp Genetics (formerly Invitae), Labcorp
Classification: Uncertain significance for Duchenne muscular dystrophy. Last evaluated: 2023-01-08. Review status: criteria provided, single submitter. Criteria: Invitae Variant Classification Sherloc (09022015). Collection method: clinical testing. Allele origin: germline.
Comment: In summary, the available evidence is currently insufficient to determine the role of this variant in disease. Therefore, it has been classified as a Variant of Uncertain Significance. Advanced modeling of protein sequence and biophysical properties (such as structural, functional, and spatial information, amino acid conservation, physicochemical variation, residue mobility, and thermodynamic stability) performed at Invitae indicates that this missense variant is not expected to disrupt DMD protein function. This variant has not been reported in the literature in individuals affected with DMD-related conditions. This variant is not present in population databases (gnomAD no frequency). This sequence change replaces glutamine, which is neutral and polar, with lysine, which is basic and polar, at codon 3001 of the DMD protein (p.Gln3001Lys).